The following is an entry in ClinVar:

ClinVar aggregate classification (germline): Uncertain significance (1 of 4 stars; one submission).

Allele frequency attached by ClinVar (database versions not stated): gnomAD 0.00001; gnomAD exomes 0.00001 and 0.00003; ExAC 0.00002.
gnomAD v4.1: 18 of 1,593,910 alleles (0.0011%); highest among the groups gnomAD compares: Admixed American, 0.017%; no homozygotes.

Submission:

Labcorp Genetics (formerly Invitae), Labcorp
Classification: Uncertain significance. Last evaluated: 2022-07-06. Review status: criteria provided, single submitter. Criteria: Invitae Variant Classification Sherloc (09022015). Collection method: clinical testing. Allele origin: germline.
Comment: This sequence change replaces proline, which is neutral and non-polar, with threonine, which is neutral and polar, at codon 42 of the SEPSECS protein (p.Pro42Thr). This variant is present in population databases (rs760762353, gnomAD 0.03%). This variant has not been reported in the literature in individuals affected with SEPSECS-related conditions. ClinVar contains an entry for this variant (Variation ID: 1431340). Algorithms developed to predict the effect of missense changes on protein structure and function are either unavailable or do not agree on the potential impact of this missense change (SIFT: "Tolerated"; PolyPhen-2: "Possibly Damaging"; Align-GVGD: "Class C0"). In summary, the available evidence is currently insufficient to determine the role of this variant in disease. Therefore, it has been classified as a Variant of Uncertain Significance.

NM_016955.4(SEPSECS):c.124C>A (p.Pro42Thr)

Gene: SEPSECS (Sep (O-phosphoserine) tRNA:Sec (selenocysteine) tRNA synthase; minus strand). Cytogenetic location: 4p15.2.
Variant type: single nucleotide variant.
Coding change: c.124C>A on transcript NM_016955.4 (MANE Select); coding-DNA position 124, C replaced by A.
Protein change: p.Pro42Thr; replaces proline 42 with threonine.
Molecular consequence: missense variant.
Genome position (GRCh38, 1-based): chr4:25,159,098, G>T on the plus strand (C>A on the coding strand, the complement: SEPSECS is on the minus strand). VCF-style: chr4-25159098-G-T. GRCh37 (hg19) VCF-style: chr4-25160720-G-T.
Other names: short protein forms P42T.
Identifiers: ClinVar variation 1431340 (VCV001431340.5), dbSNP rs760762353, ClinGen allele CA2877527.
Genomic context (GRCh38, chr4:25,159,098, plus strand): 5'-CCATGATTGCAAGTTCATGTAAAAAGAGTTCAAGTGTACTTTCATCCCAGCCATTCTCTG[G>T]ACACTTGCCCTTAAAAAAAAAAAAAAACTTATGATTATATTTAATAAAACTACCGTTCTC-3'
Protein context (NP_058651.3, residues 32-52): IRLLLEKGKC[Pro42Thr]ENGWDESTLE